The following is an entry in ClinVar:

ClinVar aggregate classification (germline): Uncertain significance (1 of 4 stars; one submission).

Conditions:
Hereditary cancer-predisposing syndrome. Also called: Tumor predisposition; Hereditary Cancer Syndrome; Neoplastic Syndromes, Hereditary; Hereditary neoplastic syndrome. Identifiers: Orphanet 140162, MedGen C0027672, MeSH D009386, MONDO:0015356.

Allele frequency attached by ClinVar (database versions not stated): gnomAD exomes below 0.00001.
gnomAD v4.1: 1 of 1,603,610 alleles (0.000062%); highest among the groups gnomAD compares: Non-Finnish European, 0.000085%; no homozygotes.

Submission:

Ambry Genetics
Classification: Uncertain significance for Hereditary cancer-predisposing syndrome. Last evaluated: 2025-05-28. Review status: criteria provided, single submitter. Criteria: Ambry Variant Classification Scheme 2023. Collection method: clinical testing. Allele origin: germline.
Comment: The p.V954M variant (also known as c.2860G>A) is located in coding exon 19 of the SMARCA4 gene. The valine at codon 954 is replaced by methionine, an amino acid with highly similar properties. This change occurs in the first base pair of coding exon 19. This amino acid position is highly conserved in available vertebrate species. In addition, the in silico prediction for this alteration is inconclusive. Based on the available evidence, the clinical significance of this variant remains unclear.

NM_003072.5(SMARCA4):c.2860G>A (p.Val954Met)

Gene: SMARCA4 (SWI/SNF related BAF chromatin remodeling complex subunit ATPase 4; plus strand). Cytogenetic location: 19p13.2.
Variant type: single nucleotide variant.
Coding change: c.2860G>A on transcript NM_003072.5 (MANE Select); coding-DNA position 2860, G replaced by A.
Protein change: p.Val954Met; replaces valine 954 with methionine.
Molecular consequence: missense variant. On other transcripts: non-coding transcript variant (1).
Genome position (GRCh38, 1-based): chr19:11,023,518, G>A. VCF-style: chr19-11023518-G-A. GRCh37 (hg19) VCF-style: chr19-11134194-G-A.
Other names: c.2860G>A, p.Val954Met (NM_001128844.3, NM_001128845.2, NM_001128846.2 and 6 more transcripts); short protein forms V954M.
Identifiers: ClinVar variation 1796957 (VCV001796957.3), dbSNP rs2146451972, ClinGen allele CA404057457.